The following is an entry in ClinVar:

NM_001035.3(RYR2):c.1144G>A (p.Val382Met)

Gene: RYR2 (ryanodine receptor 2; plus strand). Cytogenetic location: 1q43.
Variant type: single nucleotide variant.
Coding change: c.1144G>A on transcript NM_001035.3 (MANE Select); coding-DNA position 1144, G replaced by A.
Protein change: p.Val382Met; replaces valine 382 with methionine.
Molecular consequence: missense variant.
Genome position (GRCh38, 1-based): chr1:237,441,457, G>A. VCF-style: chr1-237441457-G-A. GRCh37 (hg19) VCF-style: chr1-237604757-G-A.
Other names: p.V382M:GTG>ATG; c.1144G>A, p.Val382Met (LRG_402t1); short protein forms V382M.
Identifiers: ClinVar variation 201209 (VCV000201209.36), dbSNP rs370057029, ClinGen allele CA007019.
Genomic context (GRCh38, chr1:237,441,457, plus strand): 5'-TATATACAACATGTAGACACAGGCCTATGGCTTACTTACCAGTCTGTGGACGTGAAATCC[G>A]TGAGAATGGGATCTATACAACGTAAGGTAAGGTGATAGAAAAAAACATAATTTATAGAAG-3'
Protein context (NP_001026.2, residues 372-392): LTYQSVDVKS[Val382Met]RMGSIQRKAI

ClinVar aggregate classification (germline): Conflicting classifications of pathogenicity. Review status: criteria provided, conflicting classifications (1 of 4 stars). 11 submissions from 11 submitters: Uncertain significance (3); Likely benign (6). 2 of the submissions do not count toward it. Last evaluated 2026-01-19.

Conditions:
Cardiovascular phenotype. Identifiers: MedGen CN230736.
Catecholaminergic polymorphic ventricular tachycardia (CVPT). Also called: Catecholamine-induced polymorphic ventricular tachycardia. Identifiers: Orphanet 3286, MedGen C5574922, MONDO:0017990.
Cardiomyopathy (CMYO). Also called: Cardiomyopathies. Identifiers: Orphanet 167848, MedGen C0878544, MONDO:0004994, HP:0001638. Inheritance: Various modes of inheritance.
Catecholaminergic polymorphic ventricular tachycardia 1. Also called: VENTRICULAR TACHYCARDIA, CATECHOLAMINERGIC POLYMORPHIC, 1, WITH OR WITHOUT ATRIAL DYSFUNCTION AND/OR DILATED CARDIOMYOPATHY; VENTRICULAR TACHYCARDIA, STRESS-INDUCED POLYMORPHIC 1; RYR2-Related Catecholaminergic Polymorphic Ventricular Tachycardia. Identifiers: Orphanet 3286, MedGen C1631597, MONDO:0011484, OMIM 604772.

Allele frequency attached by ClinVar (database versions not stated): gnomAD 0.00007; ESP Exome Variant Server 0.00008; gnomAD exomes 0.00008 and 0.00014; ExAC 0.00009; TOPMed 0.00010; 1000 Genomes Project 30x 0.00016; 1000 Genomes Project 0.00020.
gnomAD v4.1: 207 of 1,595,420 alleles (0.013%); highest among the groups gnomAD compares: Middle Eastern, 0.017%; no homozygotes.

Submissions (11):

Labcorp Genetics (formerly Invitae), Labcorp
Classification: Likely benign for Catecholaminergic polymorphic ventricular tachycardia 1. Last evaluated: 2026-01-19. Review status: criteria provided, single submitter. Criteria: Invitae Variant Classification Sherloc (09022015). Collection method: clinical testing. Allele origin: germline.

Molecular Diagnostic Laboratory for Inherited Cardiovascular Disease, Montreal Heart Institute
Classification: Uncertain significance for Cardiovascular phenotype. Last evaluated: 2025-04-08. Review status: criteria provided, single submitter. Criteria: ACMG Guidelines, 2015. Collection method: clinical testing. Allele origin: germline. Affected: yes.
Comment: PM1, PP2, BS1

Ambry Genetics
Classification: Likely benign for Cardiovascular phenotype. Last evaluated: 2025-02-19. Review status: criteria provided, single submitter. Criteria: Ambry Variant Classification Scheme 2023. Collection method: clinical testing. Allele origin: germline.

Blueprint Genetics
Classification: Likely benign. Last evaluated: 2024-10-31. Review status: criteria provided, single submitter. Criteria: ACMG Guidelines, 2015. Collection method: clinical testing. Allele origin: germline.

Color Diagnostics, LLC DBA Color Health
Classification: Likely benign for Cardiomyopathy. Last evaluated: 2024-05-03. Review status: criteria provided, single submitter. Criteria: ACMG Guidelines, 2015. Collection method: clinical testing. Allele origin: germline.

Women's Health and Genetics/Laboratory Corporation of America, LabCorp
Classification: Likely benign. Last evaluated: 2024-02-26. Review status: criteria provided, single submitter. Criteria: LabCorp Variant Classification Summary - May 2015. Collection method: clinical testing. Allele origin: germline.
Comment: Variant summary: RYR2 c.1144G>A (p.Val382Met) results in a conservative amino acid change located in the MIR motif (IPR016093) of the encoded protein sequence. Three of four in-silico tools predict a damaging effect of the variant on protein function. The variant allele was found at a frequency of 0.00013 in 1595420 control chromosomes, predominantly at a frequency of 0.00015 within the Non-Finnish European subpopulation in the gnomAD database (v4.0.0). The observed variant frequency within Non-Finnish European control individuals in the gnomAD database is approximately 4 fold of the estimated maximal expected allele frequency for a pathogenic variant in RYR2 causing Catecholaminergic Polymorphic Ventricular Tachycardia phenotype (3.4e-05), strongly suggesting that the variant is a benign polymorphism found primarily in populations of Non-Finnish European origin. c.1144G>A has been reported in the literature in individuals affected with Arrythmia without evidence for causality. This report does not provide unequivocal conclusions about association of the variant with Catecholaminergic Polymorphic Ventricular Tachycardia. To our knowledge, no experimental evidence demonstrating an impact on protein function has been reported. The following publication have been ascertained in the context of this evaluation (PMID: 30847666). ClinVar contains an entry for this variant (Variation ID: 201209). Based on the evidence outlined above, the variant was classified as likely benign.

All of Us Research Program, National Institutes of Health
Classification: Uncertain significance for Catecholaminergic polymorphic ventricular tachycardia. Last evaluated: 2024-02-05. Review status: criteria provided, single submitter. Criteria: ACMG Guidelines, 2015. Collection method: clinical testing. Allele origin: germline. Inheritance: Autosomal dominant inheritance. Observed: 24 variant alleles, 24 heterozygotes.
Comment: This variant is located in the RYR2 protein. Computational prediction suggests that this variant may not impact protein structure and function (internally defined REVEL score threshold <= 0.5, PMID: 27666373). To our knowledge, functional studies have not been reported for this variant. This variant has not been reported in individuals affected with cardiovascular disorders in the literature. This variant has been identified in 21/272778 chromosomes in the general population by the Genome Aggregation Database (gnomAD). The available evidence is insufficient to determine the role of this variant in disease conclusively. Therefore, this variant is classified as a Variant of Uncertain Significance.

This study involves interpretation of variants in research participants for the purpose of population health screening. Participant phenotype was not available at the time of variant classification. Additional details can be found in publication PMID: 35346344, PMCID: PMC8962531

GeneDx
Classification: Likely benign. Last evaluated: 2023-08-25. Review status: criteria provided, single submitter. Criteria: GeneDx Variant Classification Process June 2021. Collection method: clinical testing. Allele origin: germline. Affected: yes.
Comment: See Variant Classification Assertion Criteria.

Genomic Diagnostic Laboratory, Division of Genomic Diagnostics, Children's Hospital of Philadelphia
Classification: Uncertain significance for Catecholaminergic polymorphic ventricular tachycardia. Last evaluated: 2015-06-17. Review status: criteria provided, single submitter. Criteria: DGD Variant Analysis Guidelines. Collection method: clinical testing. Allele origin: unknown.

Clinical Genetics, Academic Medical Center
Classification: Uncertain significance. Review status: no assertion criteria provided. Collection method: clinical testing. Allele origin: germline. Affected: yes. Study: VKGL Data-share Consensus. Not counted in ClinVar's aggregate classification.

Diagnostic Laboratory, Department of Genetics, University Medical Center Groningen
Classification: Uncertain significance. Review status: no assertion criteria provided. Collection method: clinical testing. Allele origin: germline. Affected: yes. Study: VKGL Data-share Consensus. Not counted in ClinVar's aggregate classification.

Literature cited by the submitters: PubMed 30847666 (cited by Women's Health and Genetics/Laboratory Corporation of America, LabCorp).